The following is an entry in ClinVar:

ClinVar aggregate classification (germline): Likely benign (1 of 4 stars; one submission).

Allele frequency attached by ClinVar (database versions not stated): gnomAD 0.00017; 1000 Genomes Project 30x 0.00031; 1000 Genomes Project 0.00040; ExAC 0.00047; ESP Exome Variant Server 0.00059.
gnomAD v4.1: 377 of 1,603,272 alleles (0.024%); highest among the groups gnomAD compares: Middle Eastern, 0.23%; no homozygotes.

Submission:

CeGaT Center for Human Genetics Tuebingen
Classification: Likely benign. Last evaluated: 2023-02-01. Review status: criteria provided, single submitter. Criteria: CeGaT Center For Human Genetics Tuebingen Variant Classification Criteria Version 2. Collection method: clinical testing. Allele origin: germline. Affected: yes. Observed: 1 variant allele.
Comment: SNX13: BP4, BP7

NM_015132.5(SNX13):c.1110C>T (p.Cys370=)

Gene: SNX13 (sorting nexin 13; minus strand). Cytogenetic location: 7p21.1.
Variant type: single nucleotide variant.
Coding change: c.1110C>T on transcript NM_015132.5 (MANE Select); coding-DNA position 1110, C replaced by T.
Protein change: p.Cys370=; no amino-acid change (cysteine 370 retained).
Molecular consequence: synonymous variant. On other transcripts: non-coding transcript variant (2).
Genome position (GRCh38, 1-based): chr7:17,845,650, G>A on the plus strand (C>T on the coding strand, the complement: SNX13 is on the minus strand). VCF-style: chr7-17845650-G-A. GRCh37 (hg19) VCF-style: chr7-17885273-G-A.
Other names: c.1110C>T, p.Cys370= (NM_001350862.2, NM_001350868.2); c.870C>T, p.Cys290= (NM_001350863.2); c.804C>T, p.Cys268= (NM_001350864.2, NM_001350865.1); c.501C>T, p.Cys167= (NM_001350866.2, NM_001350867.2).
Identifiers: ClinVar variation 2657330 (VCV002657330.24), dbSNP rs377055119, ClinGen allele CA4172817.